The following is an entry in ClinVar:

ClinVar aggregate classification (germline): Conflicting classifications of pathogenicity. Review status: criteria provided, conflicting classifications (1 of 4 stars). 6 submissions from 6 submitters: Likely pathogenic (2); Uncertain significance (3). 1 of the submissions does not count toward it. Last evaluated 2025-07-19.

Conditions:
PMM2-congenital disorder of glycosylation. Also called: CDG Ia; JAEKEN SYNDROME; PHOSPHOMANNOMUTASE 2 DEFICIENCY; PMM2-CDG; CARBOHYDRATE-DEFICIENT GLYCOPROTEIN SYNDROME, TYPE Ia; Congenital disorder of glycosylation, type Ia. Identifiers: Orphanet 79318, MedGen C0349653, MONDO:0008907, OMIM 212065.

Allele frequency attached by ClinVar (database versions not stated): gnomAD 0.00001; gnomAD exomes 0.00001; TOPMed 0.00001.
gnomAD v4.1: 17 of 1,606,316 alleles (0.0011%); highest among the groups gnomAD compares: Non-Finnish European, 0.0014%; no homozygotes.

Submissions (6):

GeneDx
Classification: Likely pathogenic. Last evaluated: 2025-07-19. Review status: criteria provided, single submitter. Criteria: GeneDx Variant Classification Process June 2021. Collection method: clinical testing. Allele origin: germline. Affected: yes.
Comment: Observed with the c.66+1 G>T variant on the same allele (in cis) as well as another pathogenic variant on the opposite allele (in trans) in patients with features of a congenital disorder of glycosylation in published literature (PMID: 15844218, 20638314, 25497157); Published functional studies demonstrate a damaging effect with decreased enzyme activity (PMID: 15844218); In silico analysis supports that this missense variant has a deleterious effect on protein structure/function; Not observed at significant frequency in large population cohorts (gnomAD); This variant is associated with the following publications: (PMID: 31420886, 34859900, 34277356, 20638314, 33209585, 25497157, 15844218)

Labcorp Genetics (formerly Invitae), Labcorp
Classification: Uncertain significance for PMM2-congenital disorder of glycosylation. Last evaluated: 2024-09-11. Review status: criteria provided, single submitter. Criteria: Invitae Variant Classification Sherloc (09022015). Collection method: clinical testing. Allele origin: germline.
Comment: This sequence change replaces proline, which is neutral and non-polar, with serine, which is neutral and polar, at codon 20 of the PMM2 protein (p.Pro20Ser). This variant is present in population databases (no rsID available, gnomAD 0.003%). This missense change has been observed in individual(s) with PMM2-congenital disorder of glycosylation (CDG-Ia) (PMID: 15844218, 20638314). ClinVar contains an entry for this variant (Variation ID: 689645). Invitae Evidence Modeling of protein sequence and biophysical properties (such as structural, functional, and spatial information, amino acid conservation, physicochemical variation, residue mobility, and thermodynamic stability) indicates that this missense variant is expected to disrupt PMM2 protein function with a positive predictive value of 95%. In summary, the available evidence is currently insufficient to determine the role of this variant in disease. Therefore, it has been classified as a Variant of Uncertain Significance.

Blueprint Genetics
Classification: Uncertain significance. Last evaluated: 2024-04-11. Review status: criteria provided, single submitter. Criteria: ACMG Guidelines, 2015. Collection method: clinical testing. Allele origin: germline.

Women's Health and Genetics/Laboratory Corporation of America, LabCorp
Classification: Uncertain significance. Last evaluated: 2022-05-26. Review status: criteria provided, single submitter. Criteria: LabCorp Variant Classification Summary - May 2015. Collection method: clinical testing. Allele origin: germline.
Comment: Variant summary: PMM2 c.58C>T (p.Pro20Ser) results in a non-conservative amino acid change in the encoded protein sequence. Three of five in-silico tools predict a damaging effect of the variant on protein function. The variant allele was found at a frequency of 1.3e-05 in 228314 control chromosomes. c.58C>T has been reported in the literature in as a compound heterozygous genotype with c.395T>C (p.Ile132Thr) on the other allele in at-least one individual affected with Congenital Disorder Of Glycosylation Type 1a (example, Le Bizec_2005 cited in Monin_2014). These report(s) do not provide unequivocal conclusions about association of the variant with Congenital Disorder Of Glycosylation Type 1a. A co-occurrence in cis with another pathogenic variant(s) has been reported in the individual described above (Le Bizec_2005) and observed at our laboratory (PMM2 c.66+1G>T), providing supporting evidence for a benign role. At least one publication reports experimental evidence evaluating an impact on protein function for this variant in isolation as expressed in an E Coli system (Li Bizec_2005). The most pronounced variant effect results in approximately 20% of normal PMM2 activity in vitro. Three clinical diagnostic laboratories have submitted clinical-significance assessments for this variant to ClinVar after 2014 without evidence for independent evaluation (Likely pathogenic, n=1; VUS, n=2). Based on the evidence outlined above, the variant was classified as VUS-possibly pathogenic.

HudsonAlpha Institute for Biotechnology
Classification: Likely pathogenic for PMM2-congenital disorder of glycosylation. Last evaluated: 2019-07-03. Review status: criteria provided, single submitter. Criteria: ACMG Guidelines, 2015. Collection method: research. Allele origin: unknown. Affected: yes. Observed: 1 variant allele. Study: HudsonAlpha-PGEN.

Natera, Inc.
Classification: Uncertain significance for Congenital disorder of glycosylation type 1a. Last evaluated: 2020-10-13. Review status: no assertion criteria provided. Collection method: clinical testing. Allele origin: germline. Not counted in ClinVar's aggregate classification.

Literature cited by the submitters: PubMed 15844218 (cited by Labcorp Genetics (formerly Invitae), Labcorp and Women's Health and Genetics/Laboratory Corporation of America, LabCorp); PubMed 20638314 (cited by Labcorp Genetics (formerly Invitae), Labcorp); PubMed 25497157 (cited by Women's Health and Genetics/Laboratory Corporation of America, LabCorp).

NM_000303.3(PMM2):c.58C>T (p.Pro20Ser)

Gene: PMM2 (phosphomannomutase 2; plus strand). Cytogenetic location: 16p13.2.
Variant type: single nucleotide variant.
Coding change: c.58C>T on transcript NM_000303.3 (MANE Select); coding-DNA position 58, C replaced by T.
Protein change: p.Pro20Ser; replaces proline 20 with serine.
Molecular consequence: missense variant.
Genome position (GRCh38, 1-based): chr16:8,797,940, C>T. VCF-style: chr16-8797940-C-T. GRCh37 (hg19) VCF-style: chr16-8891797-C-T.
Other names: short protein forms P20S.
Identifiers: ClinVar variation 689645 (VCV000689645.17), dbSNP rs949271895, ClinGen allele CA277481400.